The following is an entry in ClinVar:

NM_001365951.3(KIF1B):c.3158G>A (p.Arg1053His)

Gene: KIF1B (kinesin family member 1B; plus strand). Cytogenetic location: 1p36.22.
Variant type: single nucleotide variant.
Coding change: c.3158G>A on transcript NM_001365951.3 (MANE Select); coding-DNA position 3158, G replaced by A.
Protein change: p.Arg1053His; replaces arginine 1053 with histidine.
Molecular consequence: missense variant.
Genome position (GRCh38, 1-based): chr1:10,337,102, G>A. VCF-style: chr1-10337102-G-A. GRCh37 (hg19) VCF-style: chr1-10397160-G-A.
Other names: c.3158G>A, p.Arg1053His (NM_001365952.1); c.3020G>A, p.Arg1007His (NM_015074.3); short protein forms R1053H, R1007H.
Identifiers: ClinVar variation 1798916 (VCV001798916.8), dbSNP rs969289278, ClinGen allele CA338339644.

ClinVar aggregate classification (germline): Uncertain significance. Review status: criteria provided, multiple submitters, no conflicts (2 of 4 stars). 3 submissions from 3 submitters: Uncertain significance (3). Last evaluated 2025-04-02.

Conditions:
Charcot-Marie-Tooth disease type 2. Also called: Charcot-Marie-Tooth type 2. Identifiers: Orphanet 64746, MedGen C0270914, MONDO:0018993.
KIF1B-related disorder. Also called: KIF1B-related condition.

Allele frequency attached by ClinVar (database versions not stated): gnomAD 0.00001.
gnomAD v4.1: 18 of 1,613,948 alleles (0.0011%); highest among the groups gnomAD compares: East Asian, 0.0045%; no homozygotes.

Submissions (3):

PreventionGenetics, part of Exact Sciences
Classification: Uncertain significance for KIF1B-related condition. Last evaluated: 2025-04-02. Review status: criteria provided, single submitter. Criteria: ACMG Guidelines, 2015. Collection method: clinical testing. Allele origin: germline.
Comment: The KIF1B c.3020G>A variant is predicted to result in the amino acid substitution p.Arg1007His. To our knowledge, this variant has not been reported in the literature. This variant is reported in 0.010% of alleles in individuals of East Asian descent in gnomAD. At this time, the clinical significance of this variant is uncertain due to the absence of conclusive functional and genetic evidence.

Labcorp Genetics (formerly Invitae), Labcorp
Classification: Uncertain significance for Charcot-Marie-Tooth disease type 2. Last evaluated: 2024-10-15. Review status: criteria provided, single submitter. Criteria: Invitae Variant Classification Sherloc (09022015). Collection method: clinical testing. Allele origin: germline.
Comment: This sequence change replaces arginine, which is basic and polar, with histidine, which is basic and polar, at codon 1007 of the KIF1B protein (p.Arg1007His). This variant is present in population databases (no rsID available, gnomAD 0.01%). This variant has not been reported in the literature in individuals affected with KIF1B-related conditions. ClinVar contains an entry for this variant (Variation ID: 1798916). An algorithm developed to predict the effect of missense changes on protein structure and function (PolyPhen-2) suggests that this variant is likely to be tolerated. In summary, the available evidence is currently insufficient to determine the role of this variant in disease. Therefore, it has been classified as a Variant of Uncertain Significance.

Ambry Genetics
Classification: Uncertain significance. Last evaluated: 2023-11-01. Review status: criteria provided, single submitter. Criteria: Ambry Variant Classification Scheme 2023. Collection method: clinical testing. Allele origin: germline.
Comment: The p.R1007H variant (also known as c.3020G>A), located in coding exon 27 of the KIF1B gene, results from a G to A substitution at nucleotide position 3020. The arginine at codon 1007 is replaced by histidine, an amino acid with highly similar properties. This amino acid position is well conserved in available vertebrate species. In addition, this alteration is predicted to be tolerated by in silico analysis. The evidence for this gene-disease relationship is limited; therefore, the clinical significance of this alteration is unclear.